The following is an entry in ClinVar:

ClinVar aggregate classification (germline): Uncertain significance. Review status: criteria provided, single submitter (1 of 4 stars). 2 submissions from 2 submitters: Uncertain significance (1). 1 of the submissions does not count toward it. Last evaluated 2024-03-06.

Conditions:
Autosomal dominant nonsyndromic hearing loss 23. Identifiers: Orphanet 90635, MedGen C1854594, MONDO:0011519, OMIM 605192.

Submissions (2):

Blueprint Genetics
Classification: Uncertain significance. Last evaluated: 2024-03-06. Review status: criteria provided, single submitter. Criteria: ACMG Guidelines, 2015. Collection method: clinical testing. Allele origin: germline.

Laboratory of Prof. Karen Avraham, Tel Aviv University
Classification: Pathogenic for Autosomal dominant nonsyndromic hearing loss 23. Last evaluated: 2024-11-25. Review status: no assertion criteria provided. Collection method: research. Allele origin: germline. Inheritance: Autosomal dominant inheritance. Affected: yes. Not counted in ClinVar's aggregate classification.
Comment: Cochlear dysplasia. Variable severity, progressive.

NM_005982.4(SIX1):c.396G>C (p.Lys132Asn)

Gene: SIX1 (SIX homeobox 1; minus strand). Cytogenetic location: 14q23.1.
Variant type: single nucleotide variant.
Coding change: c.396G>C on transcript NM_005982.4 (MANE Select); coding-DNA position 396, G replaced by C.
Protein change: p.Lys132Asn; replaces lysine 132 with asparagine.
Molecular consequence: missense variant.
Genome position (GRCh38, 1-based): chr14:60,648,794, C>G on the plus strand (G>C on the coding strand, the complement: SIX1 is on the minus strand). VCF-style: chr14-60648794-C-G. GRCh37 (hg19) VCF-style: chr14-61115512-C-G.
Other names: short protein forms K132N.
Identifiers: ClinVar variation 1327579 (VCV001327579.2), dbSNP rs1303947821, ClinGen allele CA389910400.
Genomic context (GRCh38, chr14:60,648,794, plus strand): 5'-ACGCGGCGATGGGTAGGGATTGTGCGCGTACCACTCCCGCAGGACACCCCTCGACTTCTC[C>G]TTGAAGCAGTAGCTGGTCTCCTCGCCGTCCCAGATGGTGCGCGGCAGTGGAAATTTTCGG-3'
Protein context (NP_005973.1, residues 122-142): WDGEETSYCF[Lys132Asn]EKSRGVLREW